The following is an entry in ClinVar:

NM_198525.3(KIF7):c.311T>G (p.Met104Arg)

Gene: KIF7 (kinesin family member 7; minus strand). Cytogenetic location: 15q26.1.
Variant type: single nucleotide variant.
Coding change: c.311T>G on transcript NM_198525.3 (MANE Select); coding-DNA position 311, T replaced by G.
Protein change: p.Met104Arg; replaces methionine 104 with arginine.
Molecular consequence: missense variant.
Genome position (GRCh38, 1-based): chr15:89,652,620, A>C on the plus strand (T>G on the coding strand, the complement: KIF7 is on the minus strand). VCF-style: chr15-89652620-A-C. GRCh37 (hg19) VCF-style: chr15-90195851-A-C.
Other names: short protein forms M104R.
Identifiers: ClinVar variation 1714731 (VCV001714731.5), dbSNP rs1230407147, ClinGen allele CA393779459.
Genomic context (GRCh38, chr15:89,652,620, plus strand): 5'-GGCTCCTTAAAGTGGGCACAGGGCCACGAACAGGGTCACTCACCCACACTGGCCTCCCCC[A>C]TGGTGTATGTCTTCCCTGAGCCCGTCTGACCATAGGCAAAGACAGTGGCATTGAAGCCCT-3'
Protein context (NP_940927.2, residues 94-114): GQTGSGKTYT[Met104Arg]GEASVASLLE

ClinVar aggregate classification (germline): Uncertain significance (1 of 4 stars; one submission).

Conditions:
Acrocallosal syndrome (ACLS). Also called: Schinzel syndrome 1; Absence of corpus callosum with unusual facial appearance, mental deficiency, duplication of the halluces and polydactyly; HALLUX DUPLICATION, POSTAXIAL POLYDACTYLY, AND ABSENCE OF CORPUS CALLOSUM. Identifiers: Orphanet 36, MedGen C0796147, MONDO:0008708, OMIM 200990.

Submission:

Labcorp Genetics (formerly Invitae), Labcorp
Classification: Uncertain significance for Acrocallosal syndrome. Last evaluated: 2022-09-24. Review status: criteria provided, single submitter. Criteria: Invitae Variant Classification Sherloc (09022015). Collection method: clinical testing. Allele origin: germline.
Comment: This variant has not been reported in the literature in individuals affected with KIF7-related conditions. Advanced modeling of protein sequence and biophysical properties (such as structural, functional, and spatial information, amino acid conservation, physicochemical variation, residue mobility, and thermodynamic stability) performed at Invitae indicates that this missense variant is not expected to disrupt KIF7 protein function. Algorithms developed to predict the effect of sequence changes on RNA splicing suggest that this variant may create or strengthen a splice site. In summary, the available evidence is currently insufficient to determine the role of this variant in disease. Therefore, it has been classified as a Variant of Uncertain Significance. This variant is present in population databases (no rsID available, gnomAD 0.004%). This sequence change replaces methionine, which is neutral and non-polar, with arginine, which is basic and polar, at codon 104 of the KIF7 protein (p.Met104Arg).